The following is an entry in ClinVar:

ClinVar aggregate classification (germline): Uncertain significance (1 of 4 stars; one submission).

Submission:

Labcorp Genetics (formerly Invitae), Labcorp
Classification: Uncertain significance. Last evaluated: 2024-08-28. Review status: criteria provided, single submitter. Criteria: Invitae Variant Classification Sherloc (09022015). Collection method: clinical testing. Allele origin: germline.
Comment: This sequence change replaces arginine, which is basic and polar, with serine, which is neutral and polar, at codon 672 of the CLTC protein (p.Arg672Ser). This variant is not present in population databases (gnomAD no frequency). This variant has not been reported in the literature in individuals affected with CLTC-related conditions. Invitae Evidence Modeling of protein sequence and biophysical properties (such as structural, functional, and spatial information, amino acid conservation, physicochemical variation, residue mobility, and thermodynamic stability) indicates that this missense variant is not expected to disrupt CLTC protein function with a negative predictive value of 80%. In summary, the available evidence is currently insufficient to determine the role of this variant in disease. Therefore, it has been classified as a Variant of Uncertain Significance.

NM_004859.4(CLTC):c.2004A>C (p.Arg668Ser)

Gene: CLTC (clathrin heavy chain; plus strand). Cytogenetic location: 17q23.1.
Variant type: single nucleotide variant.
Coding change: c.2004A>C on transcript NM_004859.4 (MANE Select); coding-DNA position 2004, A replaced by C.
Protein change: p.Arg668Ser; replaces arginine 668 with serine.
Molecular consequence: missense variant.
Genome position (GRCh38, 1-based): chr17:59,666,853, A>C. VCF-style: chr17-59666853-A-C. GRCh37 (hg19) VCF-style: chr17-57744214-A-C.
Other names: c.2016A>C, p.Arg672Ser (NM_001288653.2); short protein forms R668S, R672S.
Identifiers: ClinVar variation 2864758 (VCV002864758.3), dbSNP rs2509384684, ClinGen allele CA400428809.
Genomic context (GRCh38, chr17:59,666,853, plus strand): 5'-GTAGTGGTTAGTCAACTACTTTGGTTCCTTATCAGTAGAAGACTCCCTAGAATGTCTCAG[A>C]GCCATGCTGTCTGCCAACATCCGTCAGAATCTGCAGATTTGTGTTCAGGTGGCTTCTAAA-3'
Protein context (NP_004850.1, residues 658-678): LSVEDSLECL[Arg668Ser]AMLSANIRQN